The following is an entry in ClinVar:

ClinVar aggregate classification (germline): Likely benign. Review status: criteria provided, multiple submitters, no conflicts (2 of 4 stars). 4 submissions from 4 submitters: Likely benign (4). Last evaluated 2026-07-01.

Allele frequency attached by ClinVar (database versions not stated): ESP Exome Variant Server 0.00008; TOPMed 0.00008; gnomAD exomes 0.00011; ExAC 0.00013; gnomAD 0.00016.
gnomAD v4.1: 180 of 1,614,002 alleles (0.011%); highest among the groups gnomAD compares: Middle Eastern, 0.016%; 1 homozygote.

Submissions (4):

CeGaT Center for Human Genetics Tuebingen
Classification: Likely benign. Last evaluated: 2026-07-01. Review status: criteria provided, single submitter. Criteria: CeGaT Center For Human Genetics Tuebingen Variant Classification Criteria Version 2. Collection method: clinical testing. Allele origin: germline. Affected: yes. Observed: 1 variant allele.
Comment: SPTA1: BP4, BP7

Labcorp Genetics (formerly Invitae), Labcorp
Classification: Likely benign. Last evaluated: 2025-12-08. Review status: criteria provided, single submitter. Criteria: Invitae Variant Classification Sherloc (09022015). Collection method: clinical testing. Allele origin: germline.

ARUP Laboratories, Molecular Genetics and Genomics, ARUP Laboratories
Classification: Likely benign. Last evaluated: 2024-10-30. Review status: criteria provided, single submitter. Criteria: ARUP Molecular Germline Variant Investigation Process 2024. Collection method: clinical testing. Allele origin: germline.

Blueprint Genetics
Classification: Likely benign. Last evaluated: 2024-10-21. Review status: criteria provided, single submitter. Criteria: ACMG Guidelines, 2015. Collection method: clinical testing. Allele origin: germline.

NM_003126.4(SPTA1):c.1641T>C (p.His547=)

Gene: SPTA1 (spectrin alpha, erythrocytic 1; minus strand). Cytogenetic location: 1q23.1.
Variant type: single nucleotide variant.
Coding change: c.1641T>C on transcript NM_003126.4 (MANE Select); coding-DNA position 1641, T replaced by C.
Protein change: p.His547=; no amino-acid change (histidine 547 retained).
Molecular consequence: synonymous variant.
Genome position (GRCh38, 1-based): chr1:158,669,745, A>G on the plus strand (T>C on the coding strand, the complement: SPTA1 is on the minus strand). VCF-style: chr1-158669745-A-G. GRCh37 (hg19) VCF-style: chr1-158639535-A-G.
Identifiers: ClinVar variation 2711768 (VCV002711768.6), dbSNP rs35932551, ClinGen allele CA1183684.
Genomic context (GRCh38, chr1:158,669,745, plus strand): 5'-GAAGCTCTAGGCCCTTGGACATACCCCGTCACGGATAGCCTTGATGTTCTCTGAATCATA[A>G]TGGTCATCACCAATCAATTTGGTTGCAGTCTTGTCTACAGTCTGAAAAAATAAAAATAAA-3'
Protein context (NP_003117.2, residues 537-557): KTATKLIGDD[His547=]YDSENIKAIR